The following is an entry in ClinVar:

NM_001164508.2(NEB):c.16707_16710dup (p.Tyr5571fs)

Gene: NEB (nebulin; minus strand). Cytogenetic location: 2q23.3.
Variant type: Duplication.
Coding change: c.16707_16710dup on transcript NM_001164508.2 (MANE Select); coding-DNA positions 16707 to 16710, 4 bases duplicated (CCTC; older notation c.16707_16710dupCCTC).
Protein change: p.Tyr5571fs; shifts the reading frame from tyrosine 5571.
Molecular consequence: frameshift variant.
Genome position (GRCh38, 1-based): chr2:151,576,349-151,576,352, GAGG duplicated on the plus strand (CCTC on the coding strand, the reverse complement: NEB is on the minus strand); duplicating any 4 consecutive bases within chr2:151,576,349-151,576,353 gives the same sequence; the c. name uses the placement nearest the transcript's 3' end. VCF-style (leftmost placement, unchanged base first): chr2-151576348-A-AGAGG. GRCh37 (hg19) VCF-style: chr2-152432862-A-AGAGG.
Other names: c.16707_16710dup, p.Tyr5571fs (NM_001164507.2, NM_001271208.2); c.11604_11607dup, p.Tyr3870fs (NM_004543.5); short protein forms Y3870fs, Y5571fs.
Identifiers: ClinVar variation 1073258 (VCV001073258.2), dbSNP rs2153808894, ClinGen allele CA2499215059.

ClinVar aggregate classification (germline): Pathogenic (1 of 4 stars; one submission).

Conditions:
Nemaline myopathy 2 (NEM2). Also called: Nemaline myopathy 2, autosomal recessive. Identifiers: MedGen C1850569, MONDO:0009725, OMIM 256030.

Submission:

Labcorp Genetics (formerly Invitae), Labcorp
Classification: Pathogenic for Nemaline myopathy 2. Last evaluated: 2020-05-12. Review status: criteria provided, single submitter. Criteria: Invitae Variant Classification Sherloc (09022015). Collection method: clinical testing. Allele origin: germline.
Comment: This sequence change creates a premature translational stop signal (p.Tyr5571Profs*5) in the NEB gene. It is expected to result in an absent or disrupted protein product. This variant is not present in population databases (ExAC no frequency). This variant has not been reported in the literature in individuals with NEB-related conditions. Loss-of-function variants in NEB are known to be pathogenic (PMID: 25205138). For these reasons, this variant has been classified as Pathogenic.

Literature cited by the submitters: PubMed 25205138.